The following is an entry in ClinVar:

NM_001572.5(IRF7):c.1463T>C (p.Leu488Pro)

Gene: IRF7 (interferon regulatory factor 7; minus strand). Cytogenetic location: 11p15.5.
Variant type: single nucleotide variant.
Coding change: c.1463T>C on transcript NM_001572.5 (MANE Select); coding-DNA position 1463, T replaced by C.
Protein change: p.Leu488Pro; replaces leucine 488 with proline.
Molecular consequence: missense variant.
Genome position (GRCh38, 1-based): chr11:612,694, A>G on the plus strand (T>C on the coding strand, the complement: IRF7 is on the minus strand). VCF-style: chr11-612694-A-G. GRCh37 (hg19) VCF-style: chr11-612694-A-G.
Other names: c.1502T>C, p.Leu501Pro (NM_004031.4); c.1376T>C, p.Leu459Pro (NM_004029.4); short protein forms L459P, L488P, L501P.
Identifiers: ClinVar variation 3666747 (VCV003666747.2).
Genomic context (GRCh38, chr11:612,694, plus strand): 5'-TAGACTGGGTTCTAGGCGGGCTGCTCCAGCTCCATAAGGAAGCACTCGATGTCGTCATAG[A>G]GGCTGTTGGCGCTGGACAGGCAGAGGCTGAGGCTGCTGCTATCCAGGGAAGACACACCCT-3'
Protein context (NP_001563.2, residues 478-498): LSLCLSSANS[Leu488Pro]YDDIECFLME

ClinVar aggregate classification (germline): Uncertain significance (1 of 4 stars; one submission).

Conditions:
Immunodeficiency 39 (IMD39). Identifiers: Orphanet 574918, MedGen C4225358, MONDO:0014597, OMIM 616345.

Submission:

Labcorp Genetics (formerly Invitae), Labcorp
Classification: Uncertain significance for Immunodeficiency 39. Last evaluated: 2024-09-14. Review status: criteria provided, single submitter. Criteria: Invitae Variant Classification Sherloc (09022015). Collection method: clinical testing. Allele origin: germline.
Comment: This sequence change replaces leucine, which is neutral and non-polar, with proline, which is neutral and non-polar, at codon 501 of the IRF7 protein (p.Leu501Pro). This variant is not present in population databases (gnomAD no frequency). This variant has not been reported in the literature in individuals affected with IRF7-related conditions. An algorithm developed to predict the effect of missense changes on protein structure and function (PolyPhen-2) suggests that this variant is likely to be disruptive. In summary, the available evidence is currently insufficient to determine the role of this variant in disease. Therefore, it has been classified as a Variant of Uncertain Significance.